The following is an entry in ClinVar:

NM_016373.4(WWOX):c.605+138G>A

Gene: WWOX (WW domain containing oxidoreductase; plus strand). Cytogenetic location: 16q23.1.
Variant type: single nucleotide variant.
Coding change: c.605+138G>A on transcript NM_016373.4 (MANE Select); 138 bases into the intron after coding-DNA position 605, G replaced by A.
Molecular consequence: intron variant.
Genome position (GRCh38, 1-based): chr16:78,387,086, G>A. VCF-style: chr16-78387086-G-A. GRCh37 (hg19) VCF-style: chr16-78420983-G-A.
Other names: c.266+138G>A (NM_001291997.2).
Identifiers: ClinVar variation 672339 (VCV000672339.2), dbSNP rs61054844, ClinGen allele CA14339625.

ClinVar aggregate classification (germline): Benign. Review status: criteria provided, multiple submitters, no conflicts (2 of 4 stars). 2 submissions from 2 submitters: Benign (2). Last evaluated 2018-06-14.

Allele frequency attached by ClinVar (database versions not stated): gnomAD 0.08079 and 0.08638; TOPMed 0.09161; 1000 Genomes Project 0.09425; 1000 Genomes Project 30x 0.10150.
gnomAD v4.1: 20,918 of 821,662 alleles (2.5%); highest among the groups gnomAD compares: African/African-American, 27%; 2,339 homozygotes.

Submissions (2):

GeneDx
Classification: Benign. Last evaluated: 2018-06-14. Review status: criteria provided, single submitter. Criteria: GeneDx Variant Classification (06012015). Collection method: clinical testing. Allele origin: germline. Affected: yes.
Comment: This variant is considered likely benign or benign based on one or more of the following criteria: it is a conservative change, it occurs at a poorly conserved position in the protein, it is predicted to be benign by multiple in silico algorithms, and/or has population frequency not consistent with disease.

Breakthrough Genomics
Classification: Benign. Review status: criteria provided, single submitter. Criteria: ACMG Guidelines, 2015. Collection method: not provided. Allele origin: germline. Inheritance: Autosomal recessive inheritance. Affected: yes.